The following is an entry in ClinVar:

NM_020318.3(PAPPA2):c.4701G>A (p.Glu1567=)

Gene: PAPPA2 (pappalysin 2; plus strand). Cytogenetic location: 1q25.2.
Variant type: single nucleotide variant.
Coding change: c.4701G>A on transcript NM_020318.3 (MANE Select); coding-DNA position 4701, G replaced by A.
Protein change: p.Glu1567=; no amino-acid change (glutamic acid 1567 retained).
Molecular consequence: synonymous variant.
Genome position (GRCh38, 1-based): chr1:176,771,166, G>A. VCF-style: chr1-176771166-G-A. GRCh37 (hg19) VCF-style: chr1-176740302-G-A.
Identifiers: ClinVar variation 2442702 (VCV002442702.1), dbSNP rs1309614072, ClinGen allele CA421948183.

ClinVar aggregate classification (germline): Uncertain significance (1 of 4 stars; one submission).

Allele frequency attached by ClinVar (database versions not stated): gnomAD 0.00001; gnomAD exomes 0.00001; TOPMed 0.00001.
gnomAD v4.1: 12 of 1,614,034 alleles (0.00074%); highest among the groups gnomAD compares: South Asian, 0.0011%; no homozygotes.

Submission:

GeneDx
Classification: Uncertain significance. Last evaluated: 2022-08-28. Review status: criteria provided, single submitter. Criteria: GeneDx Variant Classification Process June 2021. Collection method: clinical testing. Allele origin: germline. Affected: yes.
Comment: Not observed at significant frequency in large population cohorts (gnomAD); In silico analysis supports a deleterious effect on splicing; Has not been previously published as pathogenic or benign to our knowledge